The following is an entry in ClinVar:

NM_032578.4(MYPN):c.2447C>T (p.Pro816Leu)

Gene: MYPN (myopalladin; plus strand). Cytogenetic location: 10q21.3.
Variant type: single nucleotide variant.
Coding change: c.2447C>T on transcript NM_032578.4 (MANE Select); coding-DNA position 2447, C replaced by T.
Protein change: p.Pro816Leu; replaces proline 816 with leucine.
Molecular consequence: missense variant. On other transcripts: non-coding transcript variant (2).
Genome position (GRCh38, 1-based): chr10:68,174,539, C>T. VCF-style: chr10-68174539-C-T. GRCh37 (hg19) VCF-style: chr10-69934296-C-T.
Other names: p.P816L:CCT>CTT; c.2447C>T, p.Pro816Leu (NM_001256267.2); c.1565C>T, p.Pro522Leu (NM_001256268.2); short protein forms P816L, P522L.
Identifiers: ClinVar variation 138418 (VCV000138418.35), dbSNP rs111965755, ClinGen allele CA200035.

ClinVar aggregate classification (germline): Benign/Likely benign. Review status: criteria provided, multiple submitters, no conflicts (2 of 4 stars). 14 submissions from 14 submitters: Benign (10); Likely benign (2). 2 of the submissions do not count toward it. Last evaluated 2026-02-02.

Conditions:
Cardiovascular phenotype. Identifiers: MedGen CN230736.
Dilated cardiomyopathy 1KK (CMD1KK). Identifiers: Orphanet 154, Orphanet 75249, MedGen C3714995, MONDO:0014100, OMIM 615248.

Allele frequency attached by ClinVar (database versions not stated): gnomAD exomes 0.00107 and 0.00267; ExAC 0.00325; gnomAD 0.00993 and 0.01059; TOPMed 0.01145; ESP Exome Variant Server 0.01199; 1000 Genomes Project 0.01338; 1000 Genomes Project 30x 0.01437.

Submissions (14):

Labcorp Genetics (formerly Invitae), Labcorp
Classification: Benign for Dilated cardiomyopathy 1KK. Last evaluated: 2026-02-02. Review status: criteria provided, single submitter. Criteria: Invitae Variant Classification Sherloc (09022015). Collection method: clinical testing. Allele origin: germline.

Blueprint Genetics
Classification: Likely benign. Last evaluated: 2024-11-25. Review status: criteria provided, single submitter. Criteria: ACMG Guidelines, 2015. Collection method: clinical testing. Allele origin: germline.

Mayo Clinic Laboratories, Mayo Clinic
Classification: Benign. Last evaluated: 2024-02-16. Review status: criteria provided, single submitter. Criteria: ACMG Guidelines, 2015. Collection method: clinical testing. Allele origin: germline. Observed: 23 variant alleles.
Comment: BS1, BS2, BP4

ARUP Laboratories, Molecular Genetics and Genomics, ARUP Laboratories
Classification: Benign. Last evaluated: 2023-08-25. Review status: criteria provided, single submitter. Criteria: ARUP Molecular Germline Variant Investigation Process 2024. Collection method: clinical testing. Allele origin: germline.

Women's Health and Genetics/Laboratory Corporation of America, LabCorp
Classification: Likely benign. Last evaluated: 2023-08-19. Review status: criteria provided, single submitter. Criteria: LabCorp Variant Classification Summary - May 2015. Collection method: clinical testing. Allele origin: germline.

Genome Diagnostics Laboratory, University Medical Center Utrecht
Classification: Benign for Dilated cardiomyopathy 1KK. Last evaluated: 2016-10-19. Review status: criteria provided, single submitter. Criteria: ACGS Guidelines, 2013. Collection method: clinical testing. Allele origin: germline. Affected: yes. Study: VKGL Data-share Consensus.

Ambry Genetics
Classification: Benign for Cardiovascular phenotype. Last evaluated: 2015-09-29. Review status: criteria provided, single submitter. Criteria: Ambry Variant Classification Scheme 2023. Collection method: clinical testing. Allele origin: germline.

Clinical Genetics DNA and cytogenetics Diagnostics Lab, Erasmus MC, Erasmus Medical Center
Classification: Benign for Dilated cardiomyopathy 1KK. Last evaluated: 2015-09-21. Review status: criteria provided, single submitter. Criteria: ACGS Guidelines, 2013. Collection method: clinical testing. Allele origin: germline. Affected: yes. Study: VKGL Data-share Consensus.

Laboratory for Molecular Medicine, Mass General Brigham Personalized Medicine
Classification: Benign. Last evaluated: 2014-11-24. Review status: criteria provided, single submitter. Criteria: LMM Criteria. Collection method: clinical testing. Allele origin: germline. Observed: 7 variant alleles.
Comment: Pro816Leu in exon 12 of MYPN: This variant is not expected to have clinical sign ificance because it has been identified in 3.5% (155/4406) of African American c hromosomes from a broad population by the NHLBI Exome Sequencing Project (dbSNP rs111965755).

GeneDx
Classification: Benign. Last evaluated: 2014-03-18. Review status: criteria provided, single submitter. Criteria: GeneDx Variant Classification (06012015). Collection method: clinical testing. Allele origin: germline. Affected: yes.
Comment: This variant is considered likely benign or benign based on one or more of the following criteria: it is a conservative change, it occurs at a poorly conserved position in the protein, it is predicted to be benign by multiple in silico algorithms, and/or has population frequency not consistent with disease.

Biesecker Lab/Clinical Genomics Section, National Institutes of Health
Classification: Benign. Last evaluated: 2013-06-24. Review status: criteria provided, single submitter. Criteria: Ng et al. (Circ Cardiovasc Genet. 2013). Collection method: research. Allele origin: unknown. Observed: 5 variant alleles. Study: ClinSeq.
Comment: The study set was not selected for affection status in relation to any cancer. Pathogenicity categories were based on literature curation. See Pubmed ID:23861362 for details.

Medical sequencing

Breakthrough Genomics
Classification: Benign. Review status: criteria provided, single submitter. Criteria: ACMG Guidelines, 2015. Collection method: not provided. Allele origin: germline. Inheritance: Autosomal recessive inheritance. Affected: yes.

Clinical Genetics, Academic Medical Center
Classification: Benign. Review status: no assertion criteria provided. Collection method: clinical testing. Allele origin: germline. Affected: yes. Study: VKGL Data-share Consensus. Not counted in ClinVar's aggregate classification.

Joint Genome Diagnostic Labs from Nijmegen and Maastricht, Radboudumc and MUMC+
Classification: Benign. Review status: no assertion criteria provided. Collection method: clinical testing. Allele origin: germline. Affected: yes. Study: VKGL Data-share Consensus. Not counted in ClinVar's aggregate classification.